The following is an entry in ClinVar:

ClinVar aggregate classification (germline): Benign. Review status: criteria provided, multiple submitters, no conflicts (2 of 4 stars). 4 submissions from 4 submitters: Benign (4). Last evaluated 2018-06-19.

Allele frequency attached by ClinVar (database versions not stated): ESP Exome Variant Server 0.05813; TOPMed 0.07796; ExAC 0.07934; 1000 Genomes Project 0.08267; 1000 Genomes Project 30x 0.08323; gnomAD exomes 0.07357; gnomAD 0.07566 and 0.07770.
gnomAD v4.1: 143,062 of 1,608,332 alleles (8.9%); highest among the groups gnomAD compares: South Asian, 14%; 7,234 homozygotes.

Submissions (4):

GeneDx
Classification: Benign. Last evaluated: 2018-06-19. Review status: criteria provided, single submitter. Criteria: GeneDx Variant Classification (06012015). Collection method: clinical testing. Allele origin: germline. Affected: yes.
Comment: This variant is considered likely benign or benign based on one or more of the following criteria: it is a conservative change, it occurs at a poorly conserved position in the protein, it is predicted to be benign by multiple in silico algorithms, and/or has population frequency not consistent with disease.

Eurofins Ntd Llc (ga)
Classification: Benign. Last evaluated: 2012-11-16. Review status: criteria provided, single submitter. Criteria: EGL Classification Definitions 2015. Collection method: clinical testing. Allele origin: germline. Observed: 3 variant alleles, 3 heterozygotes.

Breakthrough Genomics
Classification: Benign. Review status: criteria provided, single submitter. Criteria: ACMG Guidelines, 2015. Collection method: not provided. Allele origin: germline. Inheritance: Autosomal recessive inheritance. Affected: yes.

PreventionGenetics, part of Exact Sciences
Classification: Benign. Review status: criteria provided, single submitter. Criteria: ACMG Guidelines, 2015. Collection method: clinical testing. Allele origin: germline.

NM_001849.4(COL6A2):c.2423-35C>A

Gene: COL6A2 (collagen type VI alpha 2 chain; plus strand). Cytogenetic location: 21q22.3.
Variant type: single nucleotide variant.
Coding change: c.2423-35C>A on transcript NM_001849.4 (MANE Select); 35 bases into the intron before coding-DNA position 2423, C replaced by A.
Molecular consequence: intron variant.
Genome position (GRCh38, 1-based): chr21:46,126,468, C>A. VCF-style: chr21-46126468-C-A. GRCh37 (hg19) VCF-style: chr21-47546382-C-A.
Other names: c.2423-35C>A (NM_058175.3, NM_058174.3).
Identifiers: ClinVar variation 93939 (VCV000093939.7), dbSNP rs16978878, ClinGen allele CA147476.